The following is an entry in ClinVar:

ClinVar aggregate classification (germline): Uncertain significance (1 of 4 stars; one submission).

Allele frequency attached by ClinVar (database versions not stated): gnomAD exomes 0.00001 and 0.00002; ExAC 0.00004.
gnomAD v4.1: 10 of 1,143,006 alleles (0.00087%); highest among the groups gnomAD compares: African/African-American, 0.0018%; no homozygotes.

Submission:

Labcorp Genetics (formerly Invitae), Labcorp
Classification: Uncertain significance. Last evaluated: 2024-12-27. Review status: criteria provided, single submitter. Criteria: Invitae Variant Classification Sherloc (09022015). Collection method: clinical testing. Allele origin: germline.
Comment: This sequence change replaces isoleucine, which is neutral and non-polar, with valine, which is neutral and non-polar, at codon 408 of the POLA1 protein (p.Ile408Val). This variant is present in population databases (rs765413720, gnomAD 0.004%), including at least one homozygous and/or hemizygous individual. This variant has not been reported in the literature in individuals affected with POLA1-related conditions. ClinVar contains an entry for this variant (Variation ID: 1392666). Invitae Evidence Modeling of protein sequence and biophysical properties (such as structural, functional, and spatial information, amino acid conservation, physicochemical variation, residue mobility, and thermodynamic stability) indicates that this missense variant is not expected to disrupt POLA1 protein function with a negative predictive value of 80%. In summary, the available evidence is currently insufficient to determine the role of this variant in disease. Therefore, it has been classified as a Variant of Uncertain Significance.

NM_001330360.2(POLA1):c.1240A>G (p.Ile414Val)

Gene: POLA1 (DNA polymerase alpha 1, catalytic subunit; plus strand). Cytogenetic location: Xp22.11.
Variant type: single nucleotide variant.
Coding change: c.1240A>G on transcript NM_001330360.2 (MANE Select); coding-DNA position 1240, A replaced by G.
Protein change: p.Ile414Val; replaces isoleucine 414 with valine.
Molecular consequence: missense variant. On other transcripts: non-coding transcript variant (2).
Genome position (GRCh38, 1-based): chrX:24,724,374, A>G. VCF-style: chrX-24724374-A-G. GRCh37 (hg19) VCF-style: chrX-24742491-A-G.
Other names: c.1240A>G, p.Ile414Val (NM_001378303.1); c.1222A>G, p.Ile408Val (NM_016937.4); short protein forms I408V, I414V.
Identifiers: ClinVar variation 1392666 (VCV001392666.7), dbSNP rs765413720, ClinGen allele CA10372943.